The following is an entry in ClinVar:

ClinVar aggregate classification (germline): Pathogenic (1 of 4 stars; one submission).

Submission:

GeneDx
Classification: Pathogenic. Last evaluated: 2017-08-18. Review status: criteria provided, single submitter. Criteria: GeneDx Variant Classification (06012015). Collection method: clinical testing. Allele origin: germline. Affected: yes.
Comment: This deletion of one nucleotide in MSH6 is denoted c.3422delC at the cDNA level and p.Ser1141LeufsX4 (S1141LfsX4) at the protein level. The normal sequence, with the base that is deleted in brackets, is AAGT[delC]TACG. The deletion causes a frameshift which changes a Serine to a Leucine at codon 1141, and creates a premature stop codon at position 4 of the new reading frame. Although this variant has not, to our knowledge, been reported in the literature, it is predicted to cause loss of normal protein function through either protein truncation or nonsense-mediated mRNA decay. We consider this variant to be pathogenic.

NM_000179.3(MSH6):c.3422del (p.Ser1141fs)

Gene: MSH6 (mutS homolog 6; plus strand). Cytogenetic location: 2p16.3.
Variant type: Deletion.
Coding change: c.3422del on transcript NM_000179.3 (MANE Select); coding-DNA position 3422, one base deleted (C; older notation c.3422delC).
Protein change: p.Ser1141fs; shifts the reading frame from serine 1141.
Molecular consequence: frameshift variant.
Genome position (GRCh38, 1-based): chr2:47,803,669, C deleted. VCF-style (leftmost placement, unchanged base first): chr2-47803668-TC-T. GRCh37 (hg19) VCF-style: chr2-48030807-TC-T.
Other names: c.3032del, p.Ser1011fs (NM_001281492.2); c.2516del, p.Ser839fs (NM_001281493.2, NM_001281494.2); c.3422delC (NM_000179.2); short protein forms S839fs, S1011fs, S1141fs.
Identifiers: ClinVar variation 545816 (VCV000545816.2), dbSNP rs1553331760, ClinGen allele CA658822264.
Genomic context (GRCh38, chr2:47,803,668, plus strand): 5'-GAGCAGGAAAATGGCAAAGCCTATTGTGTGCTTGTTACTGGACCAAATATGGGGGGCAAG[TC>T]TACGCTTATGAGACAGGTAACTGATTCTTAAAGTTTTGTTATCAGAAAGTCATTTGTGAC-3'